The following is an entry in ClinVar:

NM_000402.4(G6PD):c.7C>T (p.Arg3Trp)

Genes: G6PD (glucose-6-phosphate dehydrogenase; minus strand), IKBKG (inhibitor of nuclear factor kappa B kinase regulatory subunit gamma; plus strand), LOC107181288 (origin of replication in promoter of G6PD; plus strand), LOC129929052 (ATAC-STARR-seq lymphoblastoid silent region 21114; plus strand). Cytogenetic location: Xq28.
Variant type: single nucleotide variant.
Coding change: c.7C>T on transcript NM_000402.4; coding-DNA position 7, C replaced by T.
Protein change: p.Arg3Trp; replaces arginine 3 with tryptophan.
Molecular consequence: missense variant. On other transcripts: intron variant (5).
Genome position (GRCh38, 1-based): chrX:154,546,864, G>A on the plus strand (C>T on the coding strand, the complement: G6PD is on the minus strand). VCF-style: chrX-154546864-G-A. GRCh37 (hg19) VCF-style: chrX-153775079-G-A.
Other names: c.-9+604C>T (NM_001042351.3); c.-15-5124G>A (NM_001377312.1, NM_001377313.1); c.189+4412G>A (NM_001099856.6); c.-16+4477G>A (NM_001321396.3); short protein forms R3W.
Identifiers: ClinVar variation 1722674 (VCV001722674.2), dbSNP rs1557233589, ClinGen allele CA415203081.

ClinVar aggregate classification (germline): Likely pathogenic (1 of 4 stars; one submission).

Conditions:
Anemia, nonspherocytic hemolytic, due to G6PD deficiency (CNSHA1). Also called: ANEMIA, CONGENITAL, NONSPHEROCYTIC HEMOLYTIC, 1; Class I glucose-6-phosphate dehydrogenase deficiency; Favism, susceptibility to; Hemolytic anemia due to G6PD deficiency. Identifiers: Orphanet 466026, MedGen C2720289, MONDO:0010480, OMIM 300908.

Submission:

Dunham Lab, University of Washington
Classification: Likely pathogenic for Anemia, nonspherocytic hemolytic, due to G6PD deficiency. Last evaluated: 2022-08-12. Review status: criteria provided, single submitter. Criteria: Bayesian ACMG Guidelines, 2018. Collection method: curation. Allele origin: unknown. Affected: yes.
Comment: Not observed in gnomAD (PM2). Post_P 0.949 (odds of pathogenicity 168.4, Prior_P 0.1).

Literature cited by the submitters: PubMed 34620237.